The following is an entry in ClinVar:

NM_032119.4(ADGRV1):c.12367A>T (p.Ile4123Leu)

Gene: ADGRV1 (adhesion G protein-coupled receptor V1; plus strand). Cytogenetic location: 5q14.3.
Variant type: single nucleotide variant.
Coding change: c.12367A>T on transcript NM_032119.4 (MANE Select); coding-DNA position 12367, A replaced by T.
Protein change: p.Ile4123Leu; replaces isoleucine 4123 with leucine.
Molecular consequence: missense variant. On other transcripts: non-coding transcript variant (1).
Genome position (GRCh38, 1-based): chr5:90,774,267, A>T. VCF-style: chr5-90774267-A-T. GRCh37 (hg19) VCF-style: chr5-90070084-A-T.
Other names: short protein forms I4123L.
Identifiers: ClinVar variation 1411988 (VCV001411988.8), dbSNP rs991182539, ClinGen allele CA360383858.

ClinVar aggregate classification (germline): Uncertain significance (1 of 4 stars; one submission).

Submission:

Labcorp Genetics (formerly Invitae), Labcorp
Classification: Uncertain significance. Last evaluated: 2021-04-20. Review status: criteria provided, single submitter. Criteria: Invitae Variant Classification Sherloc (09022015). Collection method: clinical testing. Allele origin: germline.
Comment: In summary, the available evidence is currently insufficient to determine the role of this variant in disease. Therefore, it has been classified as a Variant of Uncertain Significance. Algorithms developed to predict the effect of missense changes on protein structure and function output the following: SIFT: "Tolerated"; PolyPhen-2: "Benign"; Align-GVGD: "Class C0". The leucine amino acid residue is found in multiple mammalian species, suggesting that this missense change does not adversely affect protein function. These predictions have not been confirmed by published functional studies and their clinical significance is uncertain. This variant has not been reported in the literature in individuals with ADGRV1-related conditions. This variant is not present in population databases (ExAC no frequency). This sequence change replaces isoleucine with leucine at codon 4123 of the ADGRV1 protein (p.Ile4123Leu). The isoleucine residue is weakly conserved and there is a small physicochemical difference between isoleucine and leucine.